The following is an entry in ClinVar:

NM_024513.4(FYCO1):c.63G>A (p.Val21=)

Gene: FYCO1 (FYVE and coiled-coil domain autophagy adaptor 1; minus strand). Cytogenetic location: 3p21.31.
Variant type: single nucleotide variant.
Coding change: c.63G>A on transcript NM_024513.4 (MANE Select); coding-DNA position 63, G replaced by A.
Protein change: p.Val21=; no amino-acid change (valine 21 retained).
Molecular consequence: synonymous variant. On other transcripts: non-coding transcript variant (1), intron variant (2).
Genome position (GRCh38, 1-based): chr3:45,981,669, C>T on the plus strand (G>A on the coding strand, the complement: FYCO1 is on the minus strand). VCF-style: chr3-45981669-C-T. GRCh37 (hg19) VCF-style: chr3-46023161-C-T.
Other names: c.63G>A, p.Val21= (NM_001386421.1, NM_001386422.1, NM_001386423.1 and 5 more transcripts); c.-62+3187G>A (NM_001386430.1); c.43-1839G>A (NM_001386426.1).
Identifiers: ClinVar variation 4989790 (VCV004989790.1).

ClinVar aggregate classification (germline): Likely benign (1 of 4 stars; one submission).

Conditions:
FYCO1-related disorder. Also called: FYCO1-related condition.

gnomAD v4.1: 7 of 1,609,632 alleles (0.00043%); highest among the groups gnomAD compares: Middle Eastern, 0.017%; no homozygotes.

Submission:

PreventionGenetics, part of Exact Sciences
Classification: Likely benign for FYCO1-related condition. Last evaluated: 2026-06-29. Review status: criteria provided, single submitter. Criteria: ACMG Guidelines, 2015. Collection method: clinical testing. Allele origin: germline.
Comment: This variant is classified as likely benign based on ACMG/AMP sequence variant interpretation guidelines (Richards et al. 2015 PMID: 25741868, with internal and published modifications).